The following is an entry in ClinVar:

ClinVar aggregate classification (germline): Uncertain significance. Review status: criteria provided, single submitter (1 of 4 stars). 2 submissions from 2 submitters: Uncertain significance (1). 1 of the submissions does not count toward it. Last evaluated 2021-08-27.

Conditions:
Nemaline myopathy 2 (NEM2). Also called: Nemaline myopathy 2, autosomal recessive. Identifiers: MedGen C1850569, MONDO:0009725, OMIM 256030.

Allele frequency attached by ClinVar (database versions not stated): gnomAD exomes below 0.00001; TOPMed 0.00001.
gnomAD v4.1: 2 of 1,613,316 alleles (0.00012%); highest among the groups gnomAD compares: Non-Finnish European, 0.000085%; no homozygotes.

Submissions (2):

Labcorp Genetics (formerly Invitae), Labcorp
Classification: Uncertain significance for Nemaline myopathy 2. Last evaluated: 2021-08-27. Review status: criteria provided, single submitter. Criteria: Invitae Variant Classification Sherloc (09022015). Collection method: clinical testing. Allele origin: germline.
Comment: This sequence change replaces threonine with alanine at codon 15 of the NEB protein (p.Thr15Ala). The threonine residue is moderately conserved and there is a small physicochemical difference between threonine and alanine. This variant is not present in population databases (ExAC no frequency). This variant has not been reported in the literature in individuals affected with NEB-related conditions. Algorithms developed to predict the effect of missense changes on protein structure and function are either unavailable or do not agree on the potential impact of this missense change (SIFT: "Deleterious"; PolyPhen-2: "Not Available"; Align-GVGD: "Class C0"). In summary, the available evidence is currently insufficient to determine the role of this variant in disease. Therefore, it has been classified as a Variant of Uncertain Significance.

Natera, Inc.
Classification: Uncertain significance for Nemaline myopathy type 2. Last evaluated: 2020-02-05. Review status: no assertion criteria provided. Collection method: clinical testing. Allele origin: germline. Not counted in ClinVar's aggregate classification.

NM_001164508.2(NEB):c.43A>G (p.Thr15Ala)

Gene: NEB (nebulin; minus strand). Cytogenetic location: 2q23.3.
Variant type: single nucleotide variant.
Coding change: c.43A>G on transcript NM_001164508.2 (MANE Select); coding-DNA position 43, A replaced by G.
Protein change: p.Thr15Ala; replaces threonine 15 with alanine.
Molecular consequence: missense variant.
Genome position (GRCh38, 1-based): chr2:151,729,650, T>C on the plus strand (A>G on the coding strand, the complement: NEB is on the minus strand). VCF-style: chr2-151729650-T-C. GRCh37 (hg19) VCF-style: chr2-152586164-T-C.
Other names: c.43A>G, p.Thr15Ala (NM_001164507.2, NM_001271208.2, NM_004543.5); short protein forms T15A.
Identifiers: ClinVar variation 949694 (VCV000949694.11), dbSNP rs918736685, ClinGen allele CA57654400.
Genomic context (GRCh38, chr2:151,729,650, plus strand): 5'-TATGCAGCTGTGGGCTGGGCCTTACCTCTCCCGGCACCTCTTCGTAAACCACTTCTTCTG[T>C]GTAGTACTGTAAATAGAGCACAAAGGCATTGGCAAGAGAACCAAAGCAGAAACCACCTCT-3'
Protein context (NP_001157980.2, residues 5-25): EDYEEVVEYY[Thr15Ala]EEVVYEEVPG